The following is an entry in ClinVar:

ClinVar aggregate classification (germline): Uncertain significance. Review status: criteria provided, multiple submitters, no conflicts (2 of 4 stars). 2 submissions from 2 submitters: Uncertain significance (2). Last evaluated 2022-06-29.

Allele frequency attached by ClinVar (database versions not stated): TOPMed below 0.00001.

Submissions (2):

Labcorp Genetics (formerly Invitae), Labcorp
Classification: Uncertain significance. Last evaluated: 2022-06-29. Review status: criteria provided, single submitter. Criteria: Invitae Variant Classification Sherloc (09022015). Collection method: clinical testing. Allele origin: germline.
Comment: ClinVar contains an entry for this variant (Variation ID: 392031). This variant has not been reported in the literature in individuals affected with LPIN1-related conditions. This variant is not present in population databases (gnomAD no frequency). This sequence change replaces serine, which is neutral and polar, with tyrosine, which is neutral and polar, at codon 245 of the LPIN1 protein (p.Ser245Tyr). Algorithms developed to predict the effect of missense changes on protein structure and function are either unavailable or do not agree on the potential impact of this missense change (SIFT: "Deleterious"; PolyPhen-2: "Probably Damaging"; Align-GVGD: "Class C15"). In summary, the available evidence is currently insufficient to determine the role of this variant in disease. Therefore, it has been classified as a Variant of Uncertain Significance.

GeneDx
Classification: Uncertain significance. Last evaluated: 2017-01-09. Review status: criteria provided, single submitter. Criteria: GeneDx Variant Classification (06012015). Collection method: clinical testing. Allele origin: germline. Affected: yes.
Comment: The S245Y variant in the LPIN1 gene has not been reported previously as a pathogenic variant, nor as a benign variant, to our knowledge. The S245Y variant was not observed in approximately 6500 individuals of European and African American ancestry in the NHLBI Exome Sequencing Project, indicating it is not a common benign variant in these populations. The S245Y variant is a semi-conservative amino acid substitution, which may impact secondary protein structure as these residues differ in some properties. This substitution occurs at a position that is conserved across species. In silico analysis predicts this variant is probably damaging to the protein structure/function. We interpret S245Y as a variant of uncertain significance.

NM_001349206.2(LPIN1):c.842C>A (p.Ser281Tyr)

Genes: LPIN1 (lipin 1; plus strand), LOC126806147 (CDK7 strongly-dependent group 2 enhancer GRCh37_chr2:11919054-11920253; plus strand). Cytogenetic location: 2p25.1.
Variant type: single nucleotide variant.
Coding change: c.842C>A on transcript NM_001349206.2 (MANE Select); coding-DNA position 842, C replaced by A.
Protein change: p.Ser281Tyr; replaces serine 281 with tyrosine.
Molecular consequence: missense variant. On other transcripts: non-coding transcript variant (1).
Genome position (GRCh38, 1-based): chr2:11,779,530, C>A. VCF-style: chr2-11779530-C-A. GRCh37 (hg19) VCF-style: chr2-11919656-C-A.
Other names: c.752C>A, p.Ser251Tyr (NM_001261427.3); c.989C>A, p.Ser330Tyr (NM_001261428.3); c.734C>A, p.Ser245Tyr (NM_001349199.2, NM_001349200.2, NM_001349201.2 and 1 more transcripts); c.839C>A, p.Ser280Tyr (NM_001349202.2, NM_001349203.2); c.842C>A, p.Ser281Tyr (NM_001349204.2, NM_001349205.2); c.932C>A, p.Ser311Tyr (NM_001349207.2); c.881C>A, p.Ser294Tyr (NM_001349208.2); short protein forms S245Y, S280Y, S330Y, S294Y, S311Y, S251Y, S281Y.
Identifiers: ClinVar variation 392031 (VCV000392031.7), dbSNP rs1057524331, ClinGen allele CA16603852.